The following is an entry in ClinVar:

NM_032520.5(GNPTG):c.887G>A (p.Arg296Gln)

Gene: GNPTG (N-acetylglucosamine-1-phosphate transferase subunit gamma; plus strand). Cytogenetic location: 16p13.3.
Variant type: single nucleotide variant.
Coding change: c.887G>A on transcript NM_032520.5 (MANE Select); coding-DNA position 887, G replaced by A.
Protein change: p.Arg296Gln; replaces arginine 296 with glutamine.
Molecular consequence: missense variant.
Genome position (GRCh38, 1-based): chr16:1,363,060, G>A. VCF-style: chr16-1363060-G-A. GRCh37 (hg19) VCF-style: chr16-1413061-G-A.
Other names: short protein forms R296Q.
Identifiers: ClinVar variation 317895 (VCV000317895.19), dbSNP rs561640998, ClinGen allele CA7808023.

ClinVar aggregate classification (germline): Conflicting classifications of pathogenicity. Review status: criteria provided, conflicting classifications (1 of 4 stars). 11 submissions from 11 submitters: Uncertain significance (9); Likely benign (1). 1 of the submissions does not count toward it. Last evaluated 2024-11-06.

Conditions:
GNPTG-mucolipidosis. Also called: ML III GAMMA; ML IIIC; Mucolipidosis type III gamma; MUCOLIPIDOSIS III, COMPLEMENTATION GROUP C; MUCOLIPIDOSIS III, IRANIAN VARIANT FORM; MUCOLIPIDOSIS III, VARIANT FORM. Identifiers: Orphanet 423470, Orphanet 577, MedGen C1854896, MONDO:0009652, OMIM 252605.
Retinal dystrophy. Also called: Inherited retinal dystrophy. Identifiers: Orphanet 71862, MedGen C0854723, MeSH D058499, MONDO:0019118, HP:0000556.

Allele frequency attached by ClinVar (database versions not stated): gnomAD 0.00010 and 0.00011; TOPMed 0.00013; 1000 Genomes Project 30x 0.00016; gnomAD exomes 0.00016 and 0.00020; ExAC 0.00019; 1000 Genomes Project 0.00020.
gnomAD v4.1: 257 of 1,613,982 alleles (0.016%); highest among the groups gnomAD compares: Middle Eastern, 0.81%; 1 homozygote.

Submissions (11):

Blueprint Genetics
Classification: Uncertain significance. Last evaluated: 2024-11-06. Review status: criteria provided, single submitter. Criteria: ACMG Guidelines, 2015. Collection method: clinical testing. Allele origin: germline.

Women's Health and Genetics/Laboratory Corporation of America, LabCorp
Classification: Likely benign. Last evaluated: 2023-12-08. Review status: criteria provided, single submitter. Criteria: LabCorp Variant Classification Summary - May 2015. Collection method: clinical testing. Allele origin: germline.
Comment: Variant summary: GNPTG c.887G>A (p.Arg296Gln) results in a conservative amino acid change in the encoded protein sequence. Three of five in-silico tools predict a benign effect of the variant on protein function. The variant allele was found at a frequency of 0.00016 in 1613982 control chromosomes, predominantly at a frequency of 0.0081 within the Middle Eastern subpopulation in the gnomAD database, including one homozygote. This frequency is approximately 4.5-fold of the estimated maximal expected allele frequency for a pathogenic variant in GNPTG causing Mucolipidosis III Gamma phenotype (0.0018), suggesting that the variant is a benign polymorphism found primarily in populations of Middle Eastern origin. c.887G>A has been reported in the literature in at least two individuals affected with a stutter (e.g. Han_2014, Raza_2016). These reports do not provide unequivocal conclusions about association of the variant with Mucolipidosis III Gamma. To our knowledge, no experimental evidence demonstrating an impact on protein function has been reported. The following publications have been ascertained in the context of this evaluation (PMID: 36344539, 24807205, 26130485). Six submitters have cited clinical-significance assessments for this variant to ClinVar after 2014. All submitters classified the variant as uncertain significance. Based on the evidence outlined above, the variant was classified as likely benign.

Institute of Human Genetics, Univ. Regensburg, Univ. Regensburg
Classification: Uncertain significance for Retinal dystrophy. Last evaluated: 2023-01-01. Review status: criteria provided, single submitter. Criteria: ACMG Guidelines, 2015. Collection method: clinical testing. Allele origin: germline. Affected: yes.

Labcorp Genetics (formerly Invitae), Labcorp
Classification: Uncertain significance. Last evaluated: 2022-10-13. Review status: criteria provided, single submitter. Criteria: Invitae Variant Classification Sherloc (09022015). Collection method: clinical testing. Allele origin: germline.
Comment: This sequence change replaces arginine, which is basic and polar, with glutamine, which is neutral and polar, at codon 296 of the GNPTG protein (p.Arg296Gln). This variant is present in population databases (rs561640998, gnomAD 0.03%). This missense change has been observed in individual(s) with clinical features of GNPTG-related conditions (PMID: 24807205, 26130485). ClinVar contains an entry for this variant (Variation ID: 317895). Advanced modeling of protein sequence and biophysical properties (such as structural, functional, and spatial information, amino acid conservation, physicochemical variation, residue mobility, and thermodynamic stability) performed at Invitae indicates that this missense variant is not expected to disrupt GNPTG protein function. In summary, the available evidence is currently insufficient to determine the role of this variant in disease. Therefore, it has been classified as a Variant of Uncertain Significance.

Department of Genetics, Sultan Qaboos University Hospital
Classification: Uncertain significance for Mucolipidosis III gamma. Last evaluated: 2022-06-30. Review status: criteria provided, single submitter. Criteria: ACMG Guidelines, 2015. Collection method: clinical testing. Allele origin: germline.

Genome-Nilou Lab
Classification: Uncertain significance for GNPTG-mucolipidosis. Last evaluated: 2021-11-07. Review status: criteria provided, single submitter. Criteria: ACMG Guidelines, 2015. Collection method: clinical testing. Allele origin: germline. Affected: no.

Fulgent Genetics
Classification: Uncertain significance for GNPTG-mucolipidosis. Last evaluated: 2021-07-12. Review status: criteria provided, single submitter. Criteria: ACMG Guidelines, 2015. Collection method: clinical testing. Allele origin: unknown.

Illumina Laboratory Services, Illumina
Classification: Uncertain significance for GNPTG-mucolipidosis. Last evaluated: 2018-01-13. Review status: criteria provided, single submitter. Criteria: ICSL Variant Classification Criteria 13 December 2019. Collection method: clinical testing. Allele origin: germline.

Breakthrough Genomics
Classification: Uncertain significance. Review status: criteria provided, single submitter. Criteria: ACMG Guidelines, 2015. Collection method: not provided. Allele origin: germline. Inheritance: Autosomal recessive inheritance. Affected: yes.

Neuberg Centre For Genomic Medicine, NCGM
Classification: Uncertain significance for GNPTG-mucolipidosis. Review status: criteria provided, single submitter. Criteria: ACMG Guidelines, 2015. Collection method: clinical testing. Allele origin: germline. Inheritance: Autosomal recessive inheritance. Affected: yes.
Comment: The missense c.887G>A(p.Arg296Gln) variant in GNPTG gene has not been reported previously as a pathogenic variant nor a benign variant, to our knowledge. The p.Arg296Gln variant has been reported with allele frequency of 0.02% in gnomAD Exomes and is novel (not in any individuals) in 1000 Genomes. This variant has been reported to the ClinVar database as Uncertain Significance. The amino acid Arg at position 296 is changed to a Gln changing protein sequence and it might alter its composition and physico-chemical properties. For these reasons, this variant has been classified as a Variant of Uncertain Significance (VUS).

Natera, Inc.
Classification: Uncertain significance for Mucolipidosis III gamma. Last evaluated: 2020-04-03. Review status: no assertion criteria provided. Collection method: clinical testing. Allele origin: germline. Not counted in ClinVar's aggregate classification.

Literature cited by the submitters: PubMed 26130485 (cited by 3 submitters); PubMed 24807205 (cited by Women's Health and Genetics/Laboratory Corporation of America, LabCorp and Labcorp Genetics (formerly Invitae), Labcorp); PubMed 36344539 (cited by Women's Health and Genetics/Laboratory Corporation of America, LabCorp); PubMed 3634453 (cited by Institute of Human Genetics, Univ. Regensburg, Univ. Regensburg).